The following is an entry in ClinVar:

ClinVar aggregate classification (germline): no classifications from unflagged records (0 of 4 stars; one submission).

Conditions:
Chronic obstructive pulmonary disease. Also called: Chronic pulmonary obstruction. Identifiers: MedGen C0024117, MeSH D029424, MONDO:0005002, OMIM 606963, HP:0006510.

Submission:

Dr Mariam's Lab, University of the Punjab
Classification: Likely pathogenic for Chronic obstructive pulmonary disease. Review status: flagged submission. Collection method: case-control. Allele origin: germline. Affected: yes.
ClinVar note: Notes: This phenotype is not a monogenic disease. The terms P/LP are not appropriate.
ClinVar note: Reason: Other

NM_000583.4(GC):c.1349C>G (p.Ser450Cys)

Gene: GC (GC vitamin D binding protein; minus strand). Cytogenetic location: 4q13.3.
Variant type: single nucleotide variant.
Coding change: c.1349C>G on transcript NM_000583.4 (MANE Select); coding-DNA position 1349, C replaced by G.
Protein change: p.Ser450Cys; replaces serine 450 with cysteine.
Molecular consequence: missense variant.
Genome position (GRCh38, 1-based): chr4:71,752,564, G>C on the plus strand (C>G on the coding strand, the complement: GC is on the minus strand). VCF-style: chr4-71752564-G-C. GRCh37 (hg19) VCF-style: chr4-72618281-G-C.
Other names: c.1349C>G, p.Ser450Cys (NM_001204306.1); c.1406C>G, p.Ser469Cys (NM_001204307.1); short protein forms S450C, S469C.
Identifiers: ClinVar variation 3336644 (VCV003336644.1).
Genomic context (GRCh38, chr4:71,752,564, plus strand): 5'-TTACATTTTCCTACCTCTGAATCACAGTAAAGAGGAGGTGAGTTTATGGAACAGCAGTTG[G>C]AGGCAAAGTCTGAGTGCTTGTTAACCAGCTTTGCCAGTTCCGTGGGTGTGGCATCAGGCA-3'
Protein context (NP_000574.2, residues 440-460): KLVNKHSDFA[Ser450Cys]NCCSINSPPL